The following is an entry in ClinVar:

ClinVar aggregate classification (germline): Benign/Likely benign. Review status: criteria provided, multiple submitters, no conflicts (2 of 4 stars). 6 submissions from 6 submitters: Benign (1); Likely benign (4). 1 of the submissions does not count toward it. Last evaluated 2026-01-24.

Conditions:
Hereditary spastic paraplegia 30. Identifiers: Orphanet 101010, MedGen C5235139, MONDO:0012476.
Neuropathy, hereditary sensory, type 2C. Also called: Hereditary sensory and autonomic neuropathy type IIC; KIF1A-Related HSAN2 (HSAN2C). Identifiers: Orphanet 970, MedGen C3280168, MONDO:0013634, OMIM 614213.
Intellectual disability, autosomal dominant 9 (NESCAVS). Also called: NESCAV SYNDROME; KIF1A-Related Neurodevelopmental Disorder. Identifiers: Orphanet 662367, MedGen C5393830, MONDO:0013656, OMIM 614255.
KIF1A-related disorder. Also called: KIF1A-related disorders; KIF1A-related condition.
Inborn genetic diseases. Identifiers: MedGen C0950123, MeSH D030342.

Allele frequency attached by ClinVar (database versions not stated): gnomAD exomes 0.00003 and 0.00006; ExAC 0.00007; 1000 Genomes Project 30x 0.00016; ESP Exome Variant Server 0.00016; 1000 Genomes Project 0.00020; gnomAD 0.00031 and 0.00032; TOPMed 0.00046.
gnomAD v4.1: 96 of 1,599,876 alleles (0.006%); highest among the groups gnomAD compares: African/African-American, 0.098%; no homozygotes.

Submissions (6):

Labcorp Genetics (formerly Invitae), Labcorp
Classification: Likely benign for Hereditary spastic paraplegia 30; Neuropathy, hereditary sensory, type 2C; Intellectual disability, autosomal dominant 9. Last evaluated: 2026-01-24. Review status: criteria provided, single submitter. Criteria: Invitae Variant Classification Sherloc (09022015). Collection method: clinical testing. Allele origin: germline.

ARUP Laboratories, Molecular Genetics and Genomics, ARUP Laboratories
Classification: Benign. Last evaluated: 2024-06-28. Review status: criteria provided, single submitter. Criteria: ARUP Molecular Germline Variant Investigation Process 2024. Collection method: clinical testing. Allele origin: germline.

Blueprint Genetics
Classification: Likely benign. Last evaluated: 2024-03-07. Review status: criteria provided, single submitter. Criteria: ACMG Guidelines, 2015. Collection method: clinical testing. Allele origin: germline.

GeneDx
Classification: Likely benign. Last evaluated: 2020-08-05. Review status: criteria provided, single submitter. Criteria: GeneDx Variant Classification Process June 2021. Collection method: clinical testing. Allele origin: germline. Affected: yes.

Ambry Genetics
Classification: Likely benign for Inborn genetic diseases. Last evaluated: 2020-01-07. Review status: criteria provided, single submitter. Criteria: Ambry Variant Classification Scheme 2023. Collection method: clinical testing. Allele origin: germline.

PreventionGenetics, part of Exact Sciences
Classification: Likely benign for KIF1A-related condition. Last evaluated: 2019-11-18. Review status: no assertion criteria provided. Collection method: clinical testing. Allele origin: germline. Not counted in ClinVar's aggregate classification.
Comment: This variant is classified as likely benign based on ACMG/AMP sequence variant interpretation guidelines (Richards et al. 2015 PMID: 25741868, with internal and published modifications).

NM_001244008.2(KIF1A):c.2079G>A (p.Pro693=)

Gene: KIF1A (kinesin family member 1A; minus strand). Cytogenetic location: 2q37.3.
Variant type: single nucleotide variant.
Coding change: c.2079G>A on transcript NM_001244008.2 (MANE Select); coding-DNA position 2079, G replaced by A.
Protein change: p.Pro693=; no amino-acid change (proline 693 retained).
Molecular consequence: synonymous variant.
Genome position (GRCh38, 1-based): chr2:240,762,756, C>T on the plus strand (G>A on the coding strand, the complement: KIF1A is on the minus strand). VCF-style: chr2-240762756-C-T. GRCh37 (hg19) VCF-style: chr2-241702173-C-T.
Other names: c.2079G>A (NM_001244008.1); c.2079G>A, p.Pro693= (NM_001320705.2, NM_001330289.2, NM_001379638.1); c.2154G>A, p.Pro718= (NM_001330290.2, NM_001379631.1, NM_001379634.1 and 2 more transcripts); c.2052G>A, p.Pro684= (NM_001379632.1, NM_001379633.1, NM_001379636.1 and 10 more transcripts); c.2127G>A, p.Pro709= (NM_001379637.1, NM_001379648.1).
Identifiers: ClinVar variation 705538 (VCV000705538.20), dbSNP rs201961762, ClinGen allele CA2208206.